The following is an entry in ClinVar:

ClinVar aggregate classification (germline): Uncertain significance. Review status: criteria provided, multiple submitters, no conflicts (2 of 4 stars). 2 submissions from 2 submitters: Uncertain significance (2). Last evaluated 2025-05-11.

Allele frequency attached by ClinVar (database versions not stated): gnomAD 0.00004; TOPMed 0.00026; ESP Exome Variant Server 0.00038; ExAC 0.00003.
gnomAD v4.1: 34 of 1,613,906 alleles (0.0021%); highest among the groups gnomAD compares: Admixed American, 0.022%; no homozygotes.

Submissions (2):

Labcorp Genetics (formerly Invitae), Labcorp
Classification: Uncertain significance. Last evaluated: 2025-05-11. Review status: criteria provided, single submitter. Criteria: Invitae Variant Classification Sherloc (09022015). Collection method: clinical testing. Allele origin: germline.
Comment: This sequence change replaces arginine, which is basic and polar, with histidine, which is basic and polar, at codon 357 of the RFWD3 protein (p.Arg357His). The frequency data for this variant in the population databases is considered unreliable, as metrics indicate poor data quality at this position in the gnomAD database. This variant has not been reported in the literature in individuals affected with RFWD3-related conditions. ClinVar contains an entry for this variant (Variation ID: 1991356). An algorithm developed to predict the effect of missense changes on protein structure and function outputs the following: PolyPhen-2: "Benign". The histidine amino acid residue is found in multiple mammalian species, which suggests that this missense change does not adversely affect protein function. In summary, the available evidence is currently insufficient to determine the role of this variant in disease. Therefore, it has been classified as a Variant of Uncertain Significance.

Ambry Genetics
Classification: Uncertain significance. Last evaluated: 2021-12-16. Review status: criteria provided, single submitter. Criteria: Ambry Variant Classification Scheme 2023. Collection method: clinical testing. Allele origin: germline.

NM_018124.4(RFWD3):c.1070G>A (p.Arg357His)

Gene: RFWD3 (ring finger and WD repeat domain 3; minus strand). Cytogenetic location: 16q23.1.
Variant type: single nucleotide variant.
Coding change: c.1070G>A on transcript NM_018124.4 (MANE Select); coding-DNA position 1070, G replaced by A.
Protein change: p.Arg357His; replaces arginine 357 with histidine.
Molecular consequence: missense variant.
Genome position (GRCh38, 1-based): chr16:74,644,371, C>T on the plus strand (G>A on the coding strand, the complement: RFWD3 is on the minus strand). VCF-style: chr16-74644371-C-T. GRCh37 (hg19) VCF-style: chr16-74678269-C-T.
Other names: c.1070G>A, p.Arg357His (NM_001370534.1, NM_001370535.1, NM_001370536.1); c.236G>A, p.Arg79His (NM_001370537.1, NM_001370539.1, NM_001370540.1 and 3 more transcripts); short protein forms R357H, R79H.
Identifiers: ClinVar variation 1991356 (VCV001991356.5), dbSNP rs149052600, ClinGen allele CA8169356.